The following is an entry in ClinVar:

NM_003630.3(PEX3):c.511C>A (p.Leu171Ile)

Gene: PEX3 (peroxisomal biogenesis factor 3; plus strand). Cytogenetic location: 6q24.2.
Variant type: single nucleotide variant.
Coding change: c.511C>A on transcript NM_003630.3 (MANE Select); coding-DNA position 511, C replaced by A.
Protein change: p.Leu171Ile; replaces leucine 171 with isoleucine.
Molecular consequence: missense variant.
Genome position (GRCh38, 1-based): chr6:143,471,437, C>A. VCF-style: chr6-143471437-C-A. GRCh37 (hg19) VCF-style: chr6-143792574-C-A.
Other names: short protein forms L171I.
Identifiers: ClinVar variation 1394152 (VCV001394152.4), dbSNP rs1562654658, ClinGen allele CA365910758.

ClinVar aggregate classification (germline): Uncertain significance (1 of 4 stars; one submission).

Allele frequency attached by ClinVar (database versions not stated): gnomAD exomes below 0.00001.
gnomAD v4.1: 1 of 1,601,404 alleles (0.000062%); highest among the groups gnomAD compares: Non-Finnish European, 0.000086%; no homozygotes.

Submission:

Labcorp Genetics (formerly Invitae), Labcorp
Classification: Uncertain significance. Last evaluated: 2021-11-19. Review status: criteria provided, single submitter. Criteria: Invitae Variant Classification Sherloc (09022015). Collection method: clinical testing. Allele origin: germline.
Comment: In summary, the available evidence is currently insufficient to determine the role of this variant in disease. Therefore, it has been classified as a Variant of Uncertain Significance. Algorithms developed to predict the effect of missense changes on protein structure and function are either unavailable or do not agree on the potential impact of this missense change (SIFT: "Tolerated"; PolyPhen-2: "Probably Damaging"; Align-GVGD: "Class C0"). This variant has not been reported in the literature in individuals affected with PEX3-related conditions. This variant is not present in population databases (gnomAD no frequency). This sequence change replaces leucine, which is neutral and non-polar, with isoleucine, which is neutral and non-polar, at codon 171 of the PEX3 protein (p.Leu171Ile).